The following is an entry in ClinVar:

ClinVar aggregate classification (germline): Uncertain significance (1 of 4 stars; one submission).

Submission:

GeneDx
Classification: Uncertain significance. Last evaluated: 2025-02-05. Review status: criteria provided, single submitter. Criteria: GeneDx Variant Classification Process June 2021. Collection method: clinical testing. Allele origin: germline. Affected: yes.
Comment: Not observed at significant frequency in large population cohorts (gnomAD); In silico analysis supports that this missense variant has a deleterious effect on protein structure/function; Has not been previously published as pathogenic or benign to our knowledge; This variant is associated with the following publications: (PMID: 27839871)

NM_001134407.3(GRIN2A):c.2231G>C (p.Gly744Ala)

Gene: GRIN2A (glutamate ionotropic receptor NMDA type subunit 2A; minus strand). Cytogenetic location: 16p13.2.
Variant type: single nucleotide variant.
Coding change: c.2231G>C on transcript NM_001134407.3 (MANE Select); coding-DNA position 2231, G replaced by C.
Protein change: p.Gly744Ala; replaces glycine 744 with alanine.
Molecular consequence: missense variant.
Genome position (GRCh38, 1-based): chr16:9,798,402, C>G on the plus strand (G>C on the coding strand, the complement: GRIN2A is on the minus strand). VCF-style: chr16-9798402-C-G. GRCh37 (hg19) VCF-style: chr16-9892259-C-G.
Other names: c.2231G>C, p.Gly744Ala (NM_000833.5, NM_001134408.2); short protein forms G744A.
Identifiers: ClinVar variation 4074492 (VCV004074492.1).